The following is an entry in ClinVar:

NM_007078.3(LDB3):c.1449_1450delinsTT (p.Glu483_Pro484delinsAspSer)

Gene: LDB3 (LIM domain binding 3; plus strand). Cytogenetic location: 10q23.2.
Variant type: Indel.
Coding change: c.1449_1450delinsTT on transcript NM_007078.3 (MANE Select); coding-DNA positions 1449 to 1450, GC replaced by TT.
Protein change: p.Glu483_Pro484delinsAspSer.
Molecular consequence: missense variant.
Genome position (GRCh38, 1-based): chr10:86,716,544-86,716,545, GC replaced by TT. VCF-style: chr10-86716544-GC-TT. GRCh37 (hg19) VCF-style: chr10-88476301-GC-TT.
Other names: c.1119_1120delinsTT, p.Glu373_Pro374delinsAspSer (NM_001080114.2); c.1464_1465delinsTT, p.Glu488_Pro489delinsAspSer (NM_001171610.2); c.1260_1261delinsTT, p.Glu420_Pro421delinsAspSer (NM_001368064.1, NM_001368065.1); c.1308_1309delinsTT, p.Glu436_Pro437delinsAspSer (NM_001368066.1).
Identifiers: ClinVar variation 4731674 (VCV004731674.1).

ClinVar aggregate classification (germline): Uncertain significance (1 of 4 stars; one submission).

Conditions:
Myofibrillar myopathy 4. Also called: Zaspopathy (type). Identifiers: Orphanet 98912, MedGen C4721886, MONDO:0012277, OMIM 609452.

Submission:

Labcorp Genetics (formerly Invitae), Labcorp
Classification: Uncertain significance for Myofibrillar myopathy 4. Last evaluated: 2025-11-22. Review status: criteria provided, single submitter. Criteria: Invitae Variant Classification Sherloc (09022015). Collection method: clinical testing. Allele origin: germline.
Comment: The LDB3 gene has multiple clinically relevant transcripts. This variant occurs in alternate transcript NM_007078.3, and corresponds to NM_001080116.1:c.*17170_*17171delinsTT in the primary transcript. This variant, c.1449_1450delinsTT, is a complex sequence change that results in the deletion of 2 and insertion of 2 amino acid(s) in the LDB3 protein (p.Glu483_Pro484delinsAspSer). Information on the frequency of this variant in the gnomAD database is not available, as this variant may be reported differently in the database. This variant has not been reported in the literature in individuals affected with LDB3-related conditions. Experimental studies and prediction algorithms are not available or were not evaluated, and the functional significance of this variant is currently unknown. In summary, the available evidence is currently insufficient to determine the role of this variant in disease. Therefore, it has been classified as a Variant of Uncertain Significance.